The following is an entry in ClinVar:

NM_207352.4(CYP4V2):c.1459C>A (p.His487Asn)

Gene: CYP4V2 (cytochrome P450 family 4 subfamily V member 2; plus strand). Cytogenetic location: 4q35.2.
Variant type: single nucleotide variant.
Coding change: c.1459C>A on transcript NM_207352.4 (MANE Select); coding-DNA position 1459, C replaced by A.
Protein change: p.His487Asn; replaces histidine 487 with asparagine.
Molecular consequence: missense variant.
Genome position (GRCh38, 1-based): chr4:186,210,522, C>A. VCF-style: chr4-186210522-C-A. GRCh37 (hg19) VCF-style: chr4-187131676-C-A.
Other names: short protein forms H487N.
Identifiers: ClinVar variation 2038554 (VCV002038554.4), dbSNP rs747710403, ClinGen allele CA358950855.
Genomic context (GRCh38, chr4:186,210,522, plus strand): 5'-TTTGAAGGTCAAAAGTTTGCTGTGATGGAAGAAAAGACCATTCTTTCGTGCATCCTGAGG[C>A]ACTTTTGGATAGAATCCAACCAGAAAAGAGAAGAGCTTGGTCTAGAAGGACAGTTGATTC-3'
Protein context (NP_997235.3, residues 477-497): EKTILSCILR[His487Asn]FWIESNQKRE

ClinVar aggregate classification (germline): Uncertain significance (1 of 4 stars; one submission).

Allele frequency attached by ClinVar (database versions not stated): gnomAD 0.00001.
gnomAD v4.1: 1 of 1,614,066 alleles (0.000062%); highest among the groups gnomAD compares: African/African-American, 0.0013%; no homozygotes.

Submission:

Labcorp Genetics (formerly Invitae), Labcorp
Classification: Uncertain significance. Last evaluated: 2021-12-09. Review status: criteria provided, single submitter. Criteria: Invitae Variant Classification Sherloc (09022015). Collection method: clinical testing. Allele origin: germline.
Comment: This sequence change replaces histidine, which is basic and polar, with asparagine, which is neutral and polar, at codon 487 of the CYP4V2 protein (p.His487Asn). This variant is not present in population databases (gnomAD no frequency). This variant has not been reported in the literature in individuals affected with CYP4V2-related conditions. Advanced modeling of protein sequence and biophysical properties (such as structural, functional, and spatial information, amino acid conservation, physicochemical variation, residue mobility, and thermodynamic stability) performed at Invitae indicates that this missense variant is not expected to disrupt CYP4V2 protein function. In summary, the available evidence is currently insufficient to determine the role of this variant in disease. Therefore, it has been classified as a Variant of Uncertain Significance.